The following is an entry in ClinVar:

ClinVar aggregate classification (germline): Conflicting classifications of pathogenicity. Review status: criteria provided, conflicting classifications (1 of 4 stars). 5 submissions from 5 submitters: Uncertain significance (2); Likely benign (1). 2 of the submissions do not count toward it. Last evaluated 2025-11-23.

Conditions:
Ehlers-Danlos syndrome, classic type, 1 (EDSCL1). Also called: EDS I; EHLERS-DANLOS SYNDROME, GRAVIS TYPE; EHLERS-DANLOS SYNDROME, SEVERE CLASSIC TYPE; Ehlers-Danlos Syndrome, Classic Type, COL5A1-Related; Ehlers-Danlos syndrome, type 1. Identifiers: MedGen C0268335, MONDO:0019567, OMIM 130000.
Familial thoracic aortic aneurysm and aortic dissection (TAAD). Also called: Thoracic aortic aneurysms and dissections. Identifiers: Orphanet 91387, MedGen C4707243, MONDO:0019625.
Marfan syndrome (MFS). Also called: MARFAN SYNDROME, TYPE I; FBN1-Related Marfan Syndrome; Marfan syndrome type 1; Marfan's syndrome; Marfan syndrome, classic. Identifiers: Orphanet 284963, Orphanet 558, MedGen C0024796, MONDO:0007947, OMIM 154700.

Allele frequency attached by ClinVar (database versions not stated): ExAC 0.00012; gnomAD 0.00016 and 0.00015; ESP Exome Variant Server 0.00023; 1000 Genomes Project 30x 0.00047; TOPMed 0.00024; 1000 Genomes Project 0.00040.
gnomAD v4.1: 78 of 1,613,068 alleles (0.0048%); highest among the groups gnomAD compares: African/African-American, 0.051%; no homozygotes.

Submissions (5):

Labcorp Genetics (formerly Invitae), Labcorp
Classification: Likely benign for Ehlers-Danlos syndrome, classic type, 1. Last evaluated: 2025-11-23. Review status: criteria provided, single submitter. Criteria: Invitae Variant Classification Sherloc (09022015). Collection method: clinical testing. Allele origin: germline.

GeneDx
Classification: Uncertain significance. Last evaluated: 2025-01-03. Review status: criteria provided, single submitter. Criteria: GeneDx Variant Classification Process June 2021. Collection method: clinical testing. Allele origin: germline. Affected: yes.
Comment: Reported in an individual with congenital heart defects, who also harbored variants in several other genes (PMID: 28991257); In silico analysis supports that this missense variant has a deleterious effect on protein structure/function; This variant is associated with the following publications: (PMID: 28166811, 27535533, 26566670, 28991257)

Ambry Genetics
Classification: Uncertain significance for Familial thoracic aortic aneurysm and aortic dissection. Last evaluated: 2019-11-20. Review status: criteria provided, single submitter. Criteria: Ambry Variant Classification Scheme 2023. Collection method: clinical testing. Allele origin: germline.
Comment: The p.P706L variant (also known as c.2117C>T), located in coding exon 32 of the COL5A2 gene, results from a C to T substitution at nucleotide position 2117. The proline at codon 706 is replaced by leucine, an amino acid with similar properties. This alteration was detected in an individual with unspecified conotruncal defects who also carried the COL5A2 p.R1070H alteration (Jin SC et al. Nat. Genet., 2017 Nov;49:1593-1601). This amino acid position is highly conserved in available vertebrate species. In addition, the in silico prediction for this alteration is inconclusive. Since supporting evidence is limited at this time, the clinical significance of this alteration remains unclear.

Clinical Molecular Genetics Laboratory, Johns Hopkins All Children's Hospital
Classification: Uncertain significance for Marfan syndrome. Last evaluated: 2016-12-30. Review status: no assertion criteria provided. Collection method: clinical testing. Allele origin: germline. Affected: yes. Not counted in ClinVar's aggregate classification.

Department of Pathology and Laboratory Medicine, Sinai Health System
Classification: Uncertain significance. Review status: no assertion criteria provided. Collection method: clinical testing. Allele origin: unknown. Affected: yes. Study: The Canadian Open Genetics Repository (COGR). Not counted in ClinVar's aggregate classification.
Comment: The COL5A2 p.Pro706Leu variant was not identified in the literature nor was it identified in Cosmic or LOVD 3.0. The variant was identified in dbSNP (ID: rs146175905) and in ClinVar (classified as a VUS by Invitae and Clinical Molecular Genetics Laboratory, Johns Hopkins All Children's Hospital). The variant was also identified in control databases in 28 of 282454 chromosomes at a frequency of 0.000099 (Genome Aggregation Database Feb 27, 2017) and was observed in the following populations: African in 14 of 24910 chromosomes (freq: 0.000562), Other in 1 of 7210 chromosomes (freq: 0.000139), South Asian in 4 of 30594 chromosomes (freq: 0.000131), Latino in 4 of 35382 chromosomes (freq: 0.000113) and European (non-Finnish) in 5 of 129032 chromosomes (freq: 0.000039); it was not observed in the Ashkenazi Jewish, East Asian, and European (Finnish) populations. The variant occurs outside of the splicing consensus sequence and in silico or computational prediction software programs (SpliceSiteFinder, MaxEntScan, NNSPLICE, GeneSplicer) do not predict a difference in splicing. The p.Pro706 residue is conserved in mammals and computational analyses (PolyPhen-2, SIFT, AlignGVGD, BLOSUM, MutationTaster) provide inconsistent predictions regarding the impact to the protein; this information is not very predictive of pathogenicity. In summary, based on the above information the clinical significance of this variant cannot be determined with certainty at this time. This variant is classified as a variant of uncertain significance.

Literature cited by the submitters: PubMed 28991257 (cited by Ambry Genetics).

NM_000393.5(COL5A2):c.2117C>T (p.Pro706Leu)

Gene: COL5A2 (collagen type V alpha 2 chain; minus strand). Cytogenetic location: 2q32.2.
Variant type: single nucleotide variant.
Coding change: c.2117C>T on transcript NM_000393.5 (MANE Select); coding-DNA position 2117, C replaced by T.
Protein change: p.Pro706Leu; replaces proline 706 with leucine.
Molecular consequence: missense variant.
Genome position (GRCh38, 1-based): chr2:189,058,862, G>A on the plus strand (C>T on the coding strand, the complement: COL5A2 is on the minus strand). VCF-style: chr2-189058862-G-A. GRCh37 (hg19) VCF-style: chr2-189923588-G-A.
Other names: short protein forms P706L.
Identifiers: ClinVar variation 459732 (VCV000459732.20), dbSNP rs146175905, ClinGen allele CA2022440.
Genomic context (GRCh38, chr2:189,058,862, plus strand): 5'-TGAAGCCAGTGGGAAACAACATTAATCATGAAGATTAAAATACTTACTCTAGGTCCTAAC[G>A]GGCCAACTGCTCCGGGATCTCCAGGAACACCCTATAAACACATTTTTTTTTTTTAATGGA-3'
Protein context (NP_000384.2, residues 696-716): GVPGDPGAVG[Pro706Leu]LGPRGERGNP